The following is an entry in ClinVar:

NM_015102.5(NPHP4):c.473C>T (p.Thr158Ile)

Gene: NPHP4 (nephrocystin 4; minus strand). Cytogenetic location: 1p36.31.
Variant type: single nucleotide variant.
Coding change: c.473C>T on transcript NM_015102.5 (MANE Select); coding-DNA position 473, C replaced by T.
Protein change: p.Thr158Ile; replaces threonine 158 with isoleucine.
Molecular consequence: missense variant. On other transcripts: 5 prime UTR variant (2), non-coding transcript variant (1).
Genome position (GRCh38, 1-based): chr1:5,967,343, G>A on the plus strand (C>T on the coding strand, the complement: NPHP4 is on the minus strand). VCF-style: chr1-5967343-G-A. GRCh37 (hg19) VCF-style: chr1-6027403-G-A.
Other names: c.-757C>T (NM_001291593.2); c.-894C>T (NM_001291594.2); short protein forms T158I.
Identifiers: ClinVar variation 1903958 (VCV001903958.5), dbSNP rs1651710968, ClinGen allele CA338049481.
Genomic context (GRCh38, chr1:5,967,343, plus strand): 5'-CAGGTCTGGCTCTTACGCTCTGCGGGGTCCTGGAGAAGCGGGTGCAGGAGGGCTCTGGGG[G>A]TGCCATGGTACAGCCGCAACCTGGAAGACAGGACCCAGAGAACAGTCGTCAGCCACGTGC-3'
Protein context (NP_055917.1, residues 148-168): QDKRLRLYHG[Thr158Ile]PRALLHPLLQ

ClinVar aggregate classification (germline): Uncertain significance (1 of 4 stars; one submission).

Conditions:
Nephronophthisis. Also called: Juvenile Nephronophthisis. Identifiers: Orphanet 655, MedGen C0687120, MONDO:0019005, HP:0000090.

Allele frequency attached by ClinVar (database versions not stated): gnomAD 0.00001; TOPMed 0.00001.

Submission:

Labcorp Genetics (formerly Invitae), Labcorp
Classification: Uncertain significance for Nephronophthisis. Last evaluated: 2022-08-05. Review status: criteria provided, single submitter. Criteria: Invitae Variant Classification Sherloc (09022015). Collection method: clinical testing. Allele origin: germline.
Comment: In summary, the available evidence is currently insufficient to determine the role of this variant in disease. Therefore, it has been classified as a Variant of Uncertain Significance. Algorithms developed to predict the effect of missense changes on protein structure and function are either unavailable or do not agree on the potential impact of this missense change (SIFT: "Deleterious"; PolyPhen-2: "Probably Damaging"; Align-GVGD: "Class C0"). This variant has not been reported in the literature in individuals affected with NPHP4-related conditions. This variant is not present in population databases (gnomAD no frequency). This sequence change replaces threonine, which is neutral and polar, with isoleucine, which is neutral and non-polar, at codon 158 of the NPHP4 protein (p.Thr158Ile).